The following is an entry in ClinVar:

NM_014233.4(UBTF):c.2196CGA[2] (p.Asp734del)

Genes: ATXN7L3-AS1 (ATXN7L3 antisense RNA 1; plus strand), UBTF (upstream binding transcription factor; minus strand). Cytogenetic location: 17q21.31.
Variant type: Microsatellite.
Coding change: c.2196CGA[2] on transcript NM_014233.4 (MANE Select); two copies in a row of the 3-base unit CGA starting at c.2196; the reference has three copies in a row; one copy, 3 bases deleted.
Protein change: p.Asp734del; deletes aspartic acid 734.
Molecular consequence: inframe deletion. On other transcripts: non-coding transcript variant (1).
Genome position (GRCh38, 1-based): chr17:44,207,333-44,207,335, TCG deleted on the plus strand (CGA on the coding strand, the reverse complement: UBTF is on the minus strand); deleting any 3 consecutive bases within chr17:44,207,333-44,207,343 gives the same sequence; the position shown is the placement nearest the transcript's 3' end. VCF-style (leftmost placement, unchanged base first): chr17-44207332-CTCG-C. GRCh37 (hg19) VCF-style: chr17-42284700-CTCG-C.
Other names: c.2085CGA[2], p.Asp697del (NM_001076683.2, NM_001076684.3); short protein forms D734del, D697del.
Identifiers: ClinVar variation 2243923 (VCV002243923.4), dbSNP rs777305639, ClinGen allele CA8599193.

ClinVar aggregate classification (germline): Benign/Likely benign. Review status: criteria provided, multiple submitters, no conflicts (2 of 4 stars). 3 submissions from 3 submitters: Benign (1); Likely benign (2). Last evaluated 2026-07-01.

Conditions:
Inborn genetic diseases. Identifiers: MedGen C0950123, MeSH D030342.

Submissions (3):

CeGaT Center for Human Genetics Tuebingen
Classification: Likely benign. Last evaluated: 2026-07-01. Review status: criteria provided, single submitter. Criteria: CeGaT Center For Human Genetics Tuebingen Variant Classification Criteria Version 2. Collection method: clinical testing. Allele origin: germline. Affected: yes. Observed: 1 variant allele.
Comment: UBTF: BS2

Blueprint Genetics
Classification: Likely benign. Last evaluated: 2024-09-17. Review status: criteria provided, single submitter. Criteria: ACMG Guidelines, 2015. Collection method: clinical testing. Allele origin: germline.

Ambry Genetics
Classification: Benign for Inborn genetic diseases. Last evaluated: 2022-06-01. Review status: criteria provided, single submitter. Criteria: Ambry Variant Classification Scheme 2023. Collection method: clinical testing. Allele origin: germline.